The following is an entry in ClinVar:

NM_001961.4(EEF2):c.1150+4C>T

Gene: EEF2 (eukaryotic translation elongation factor 2; minus strand). Cytogenetic location: 19p13.3.
Variant type: single nucleotide variant.
Coding change: c.1150+4C>T on transcript NM_001961.4 (MANE Select); 4 bases into the intron after coding-DNA position 1150, C replaced by T.
Molecular consequence: intron variant.
Genome position (GRCh38, 1-based): chr19:3,980,837, G>A on the plus strand (C>T on the coding strand, the complement: EEF2 is on the minus strand). VCF-style: chr19-3980837-G-A. GRCh37 (hg19) VCF-style: chr19-3980835-G-A.
Identifiers: ClinVar variation 1256084 (VCV001256084.4), dbSNP rs369925168, ClinGen allele CA9089009.
Genomic context (GRCh38, chr19:3,980,837, plus strand): 5'-ACAACCTTGGGCAACAGGAAGTCATCCGGCTGCATCTCAGGGCCCGGCCACCGGGACCAC[G>A]TACCCATGGCAGCCTCGTCGTCCGGGGGCCCCTCGTACAGGAGCTCGCAGCGGTACTTCT-3'

ClinVar aggregate classification (germline): Conflicting classifications of pathogenicity. Review status: criteria provided, conflicting classifications (1 of 4 stars). 2 submissions from 2 submitters: Uncertain significance (1); Likely benign (1). Last evaluated 2025-10-09.

Allele frequency attached by ClinVar (database versions not stated): ExAC 0.00003; gnomAD 0.00003 and 0.00004; gnomAD exomes 0.00005; ESP Exome Variant Server 0.00008.

Submissions (2):

Athena Diagnostics
Classification: Likely benign. Last evaluated: 2025-10-09. Review status: criteria provided, single submitter. Criteria: Athena Diagnostics Criteria. Collection method: clinical testing. Allele origin: unknown.
Comment: The frequency of this variant in the general population is higher than would generally be expected for pathogenic variants in this gene. Computational tools yielded predictions that this variant is unlikely to have an effect on normal RNA splicing. This nucleotide position exhibits low evolutionary conservation.

Labcorp Genetics (formerly Invitae), Labcorp
Classification: Uncertain significance. Last evaluated: 2024-12-04. Review status: criteria provided, single submitter. Criteria: Invitae Variant Classification Sherloc (09022015). Collection method: clinical testing. Allele origin: germline.
Comment: This sequence change falls in intron 8 of the EEF2 gene. It does not directly change the encoded amino acid sequence of the EEF2 protein. It affects a nucleotide within the consensus splice site. The frequency data for this variant in the population databases is considered unreliable, as metrics indicate poor data quality at this position in the gnomAD database. This variant has not been reported in the literature in individuals affected with EEF2-related conditions. ClinVar contains an entry for this variant (Variation ID: 1256084). Variants that disrupt the consensus splice site are a relatively common cause of aberrant splicing (PMID: 17576681, 9536098). Algorithms developed to predict the effect of sequence changes on RNA splicing suggest that this variant is not likely to affect RNA splicing. In summary, the available evidence is currently insufficient to determine the role of this variant in disease. Therefore, it has been classified as a Variant of Uncertain Significance.

Literature cited by the submitters: PubMed 17576681 (cited by Labcorp Genetics (formerly Invitae), Labcorp); PubMed 9536098 (cited by Labcorp Genetics (formerly Invitae), Labcorp).